The following is an entry in ClinVar:

ClinVar aggregate classification (germline): Likely pathogenic (1 of 4 stars; one submission).

Conditions:
Myosin storage myopathy (CMYO7A). Also called: MYOPATHY, HYALINE BODY, AUTOSOMAL DOMINANT; SCAPULOPERONEAL MUSCULAR DYSTROPHY; SCAPULOPERONEAL SYNDROME, MYOPATHIC TYPE; Scapuloperoneal myopathy, MYH7-related; MYH7-related late-onset scapuloperoneal muscular dystrophy; Congenital myopathy 7A, myosin storage, autosomal dominant. Identifiers: Orphanet 437572, Orphanet 636965, MedGen C1842160, MONDO:0008409, OMIM 608358.

Submission:

Broad Center for Mendelian Genomics, Broad Institute of MIT and Harvard
Classification: Likely pathogenic for Myosin storage myopathy. Last evaluated: 2023-05-02. Review status: criteria provided, single submitter. Criteria: ACMG Guidelines, 2015. Collection method: curation. Allele origin: germline. Inheritance: Autosomal dominant inheritance.
Comment: Trio exome analysis showed this variant to be de novo. The c.5655+1G>A variant in MYH7 has been previously reported in two individuals with autosomal dominant myosin storage myopathy (PMID: 27387980, PMID: 30588760). This variant is absent in population databases. Multiple variants in the same region as c.5655+1G>A (i.e., the splice donor region of exon 38) have been reported in association with disease in literature, suggesting that this variant is in a hot spot and slightly supports pathogenicity (PMID: 26782017, PMID: 27387980, PMID: 30794915). Mini-gene assay using HEK-293 cells transfected with the variant and RT-PCR analysis showed in-frame exon skipping of exon 38 (PMID: 30794915). This variant is located in the 5' splice region. Computational tools do suggest an impact to splicing. However, this information is not predictive enough to determine pathogenicity. In summary, although additional studies are required to fully establish its clinical significance, this variant is likely pathogenic for autosomal dominant myosin storage myopathy. ACMG/AMP Criteria applied: PS1_Supporting, PS2_Moderate, PS3_Supporting, PM1_Supporting, PM2_Supporting, PP3 (Richards 2015).

Literature cited by the submitters: PubMed 30794915.

NM_000257.4(MYH7):c.5655+1G>A

Gene: MYH7 (myosin heavy chain 7; minus strand). Cytogenetic location: 14q11.2.
Variant type: single nucleotide variant.
Coding change: c.5655+1G>A on transcript NM_000257.4 (MANE Select); the canonical splice donor site of the intron after coding-DNA position 5655, G replaced by A.
Molecular consequence: splice donor variant.
Genome position (GRCh38, 1-based): chr14:23,414,006, C>T on the plus strand (G>A on the coding strand, the complement: MYH7 is on the minus strand). VCF-style: chr14-23414006-C-T. GRCh37 (hg19) VCF-style: chr14-23883215-C-T.
Other names: NM_000257.4:c.5655+1G>A; c.5655+1G>A (NM_001407004.1).
Identifiers: ClinVar variation 2500944 (VCV002500944.2), dbSNP rs1892079951, ClinGen allele CA389034770.